The following is an entry in ClinVar:

ClinVar aggregate classification (germline): Uncertain significance (1 of 4 stars; one submission).

Conditions:
Charcot-Marie-Tooth disease axonal type 2Z. Also called: CHARCOT-MARIE-TOOTH DISEASE, AXONAL, AUTOSOMAL DOMINANT, TYPE 2Z; CHARCOT-MARIE-TOOTH NEUROPATHY, TYPE 2Z. Identifiers: Orphanet 466768, MedGen C5569025, MONDO:0014736, OMIM 616688.

Submission:

Labcorp Genetics (formerly Invitae), Labcorp
Classification: Uncertain significance for Charcot-Marie-Tooth disease axonal type 2Z. Last evaluated: 2024-03-18. Review status: criteria provided, single submitter. Criteria: Invitae Variant Classification Sherloc (09022015). Collection method: clinical testing. Allele origin: germline.
Comment: This sequence change replaces aspartic acid, which is acidic and polar, with asparagine, which is neutral and polar, at codon 160 of the MORC2 protein (p.Asp160Asn). This variant is not present in population databases (gnomAD no frequency). This variant has not been reported in the literature in individuals affected with MORC2-related conditions. Advanced modeling of protein sequence and biophysical properties (such as structural, functional, and spatial information, amino acid conservation, physicochemical variation, residue mobility, and thermodynamic stability) has been performed at Invitae for this missense variant, however the output from this modeling did not meet the statistical confidence thresholds required to predict the impact of this variant on MORC2 protein function. In summary, the available evidence is currently insufficient to determine the role of this variant in disease. Therefore, it has been classified as a Variant of Uncertain Significance.

NM_001303256.3(MORC2):c.478G>A (p.Asp160Asn)

Gene: MORC2 (MORC family CW-type zinc finger 2; minus strand). Cytogenetic location: 22q12.2.
Variant type: single nucleotide variant.
Coding change: c.478G>A on transcript NM_001303256.3 (MANE Select); coding-DNA position 478, G replaced by A.
Protein change: p.Asp160Asn; replaces aspartic acid 160 with asparagine.
Molecular consequence: missense variant.
Genome position (GRCh38, 1-based): chr22:30,942,220, C>T on the plus strand (G>A on the coding strand, the complement: MORC2 is on the minus strand). VCF-style: chr22-30942220-C-T. GRCh37 (hg19) VCF-style: chr22-31338207-C-T.
Other names: c.478G>A, p.Asp160Asn (NM_001303257.2); c.292G>A, p.Asp98Asn (NM_014941.3); short protein forms D98N, D160N.
Identifiers: ClinVar variation 3637780 (VCV003637780.2).